The following is an entry in ClinVar:

NM_033026.6(PCLO):c.13649T>C (p.Met4550Thr)

Gene: PCLO (piccolo presynaptic cytomatrix protein; minus strand). Cytogenetic location: 7q21.11.
Variant type: single nucleotide variant.
Coding change: c.13649T>C on transcript NM_033026.6 (MANE Select); coding-DNA position 13649, T replaced by C.
Protein change: p.Met4550Thr; replaces methionine 4550 with threonine.
Molecular consequence: missense variant.
Genome position (GRCh38, 1-based): chr7:82,879,342, A>G on the plus strand (T>C on the coding strand, the complement: PCLO is on the minus strand). VCF-style: chr7-82879342-A-G. GRCh37 (hg19) VCF-style: chr7-82508658-A-G.
Other names: c.13649T>C, p.Met4550Thr (NM_014510.3); short protein forms M4550T.
Identifiers: ClinVar variation 3387898 (VCV003387898.14).

ClinVar aggregate classification (germline): Uncertain significance (1 of 4 stars; one submission).

gnomAD v4.1: 66 of 1,608,570 alleles (0.0041%); highest among the groups gnomAD compares: South Asian, 0.052%; no homozygotes.

Submission:

CeGaT Center for Human Genetics Tuebingen
Classification: Uncertain significance. Last evaluated: 2024-10-01. Review status: criteria provided, single submitter. Criteria: CeGaT Center For Human Genetics Tuebingen Variant Classification Criteria Version 2. Collection method: clinical testing. Allele origin: germline. Affected: yes. Observed: 1 variant allele.
Comment: PCLO: PM2, BP4